The following is an entry in ClinVar:

ClinVar aggregate classification (germline): Uncertain significance (1 of 4 stars; one submission).

gnomAD v4.1: 1 of 1,613,954 alleles (0.000062%); highest among the groups gnomAD compares: Non-Finnish European, 0.000085%; no homozygotes.

Submission:

GeneDx
Classification: Uncertain significance. Last evaluated: 2023-12-21. Review status: criteria provided, single submitter. Criteria: GeneDx Variant Classification Process June 2021. Collection method: clinical testing. Allele origin: germline. Affected: yes.
Comment: Not observed at significant frequency in large population cohorts (gnomAD); In silico analysis supports that this missense variant has a deleterious effect on protein structure/function; Has not been previously published as pathogenic or benign to our knowledge

NM_015335.5(MED13L):c.5707C>T (p.Arg1903Cys)

Gene: MED13L (mediator complex subunit 13L; minus strand). Cytogenetic location: 12q24.21.
Variant type: single nucleotide variant.
Coding change: c.5707C>T on transcript NM_015335.5 (MANE Select); coding-DNA position 5707, C replaced by T.
Protein change: p.Arg1903Cys; replaces arginine 1903 with cysteine.
Molecular consequence: missense variant.
Genome position (GRCh38, 1-based): chr12:115,975,195, G>A on the plus strand (C>T on the coding strand, the complement: MED13L is on the minus strand). VCF-style: chr12-115975195-G-A. GRCh37 (hg19) VCF-style: chr12-116413000-G-A.
Other names: short protein forms R1903C.
Identifiers: ClinVar variation 3363857 (VCV003363857.1).